The following is an entry in ClinVar:

NM_206933.4(USH2A):c.485+3A>T

Gene: USH2A (usherin; minus strand). Cytogenetic location: 1q41.
Variant type: single nucleotide variant.
Coding change: c.485+3A>T on transcript NM_206933.4 (MANE Select); 3 bases into the intron after coding-DNA position 485, A replaced by T.
Molecular consequence: intron variant.
Genome position (GRCh38, 1-based): chr1:216,421,849, T>A on the plus strand (A>T on the coding strand, the complement: USH2A is on the minus strand). VCF-style: chr1-216421849-T-A. GRCh37 (hg19) VCF-style: chr1-216595191-T-A.
Other names: c.485+3A>T (NM_007123.6).
Identifiers: ClinVar variation 427861 (VCV000427861.2), dbSNP rs1553258031, ClinGen allele CA658655631.

ClinVar aggregate classification (germline): Pathogenic (0 of 4 stars; one submission).

Conditions:
Usher syndrome type 2A. Also called: USHER SYNDROME, TYPE IIA; RETINAL DISEASE IN USHER SYNDROME TYPE IIA, MODIFIER OF. Identifiers: Orphanet 231178, Orphanet 886, MedGen C1848634, MONDO:0010169, OMIM 276901.

Submission:

Rui Chen Lab, Baylor College of Medicine
Classification: Pathogenic for Usher syndrome type 2A. Last evaluated: 2017-05-09. Review status: no assertion criteria provided. Collection method: research. Allele origin: germline. Affected: yes.
Comment: An in vitrominigene system was used to confirm that the variant disrupts splicing